The following is an entry in ClinVar:

ClinVar aggregate classification (germline): Uncertain significance. Review status: criteria provided, multiple submitters, no conflicts (2 of 4 stars). 2 submissions from 2 submitters: Uncertain significance (2). Last evaluated 2026-07-07.

Conditions:
Hereditary cancer-predisposing syndrome. Also called: Hereditary Cancer Syndrome; Neoplastic Syndromes, Hereditary; Hereditary neoplastic syndrome; Tumor predisposition. Identifiers: Orphanet 140162, MedGen C0027672, MeSH D009386, MONDO:0015356.
Gorlin syndrome. Also called: Nevoid Basal Cell Carcinoma Syndrome; Basal cell nevus syndrome. Identifiers: Orphanet 377, MedGen C0004779, MONDO:0007187.

Submissions (2):

Ambry Genetics
Classification: Uncertain significance for Hereditary cancer-predisposing syndrome. Last evaluated: 2026-07-07. Review status: criteria provided, single submitter. Criteria: Ambry Variant Classification Scheme 2023. Collection method: clinical testing. Allele origin: germline.
Comment: The p.D1110Y variant (also known as c.3328G>T), located in coding exon 20 of the PTCH1 gene, results from a G to T substitution at nucleotide position 3328. The aspartic acid at codon 1110 is replaced by tyrosine, an amino acid with highly dissimilar properties. This amino acid position is highly conserved in available vertebrate species. In addition, this alteration is predicted to be deleterious by in silico analysis. Based on the available evidence, the clinical significance of this variant remains unclear.

Labcorp Genetics (formerly Invitae), Labcorp
Classification: Uncertain significance for Gorlin syndrome. Last evaluated: 2024-12-21. Review status: criteria provided, single submitter. Criteria: Invitae Variant Classification Sherloc (09022015). Collection method: clinical testing. Allele origin: germline.
Comment: This sequence change replaces aspartic acid, which is acidic and polar, with tyrosine, which is neutral and polar, at codon 1110 of the PTCH1 protein (p.Asp1110Tyr). This variant is not present in population databases (gnomAD no frequency). This variant has not been reported in the literature in individuals affected with PTCH1-related conditions. ClinVar contains an entry for this variant (Variation ID: 1350625). Invitae Evidence Modeling of protein sequence and biophysical properties (such as structural, functional, and spatial information, amino acid conservation, physicochemical variation, residue mobility, and thermodynamic stability) has been performed for this missense variant. However, the output from this modeling did not meet the statistical confidence thresholds required to predict the impact of this variant on PTCH1 protein function. In summary, the available evidence is currently insufficient to determine the role of this variant in disease. Therefore, it has been classified as a Variant of Uncertain Significance.

NM_000264.5(PTCH1):c.3328G>T (p.Asp1110Tyr)

Gene: PTCH1 (patched 1; minus strand). Cytogenetic location: 9q22.32.
Variant type: single nucleotide variant.
Coding change: c.3328G>T on transcript NM_000264.5 (MANE Select); coding-DNA position 3328, G replaced by T.
Protein change: p.Asp1110Tyr; replaces aspartic acid 1110 with tyrosine.
Molecular consequence: missense variant. On other transcripts: non-coding transcript variant (1).
Genome position (GRCh38, 1-based): chr9:95,453,599, C>A on the plus strand (G>T on the coding strand, the complement: PTCH1 is on the minus strand). VCF-style: chr9-95453599-C-A. GRCh37 (hg19) VCF-style: chr9-98215881-C-A.
Other names: c.3130G>T, p.Asp1044Tyr (NM_001083602.3); c.3325G>T, p.Asp1109Tyr (NM_001083603.3); c.2875G>T, p.Asp959Tyr (NM_001083604.3, NM_001083605.3, NM_001083606.3 and 1 more transcripts); c.3172G>T, p.Asp1058Tyr (NM_001354918.2); c.3328G>T (NM_000264.3); short protein forms D1058Y, D1109Y, D1110Y, D1044Y, D959Y.
Identifiers: ClinVar variation 1350625 (VCV001350625.11), dbSNP rs911494100, ClinGen allele CA374111894.